The following is an entry in ClinVar:

ClinVar aggregate classification (germline): Pathogenic/Likely pathogenic. Review status: criteria provided, multiple submitters, no conflicts (2 of 4 stars). 5 submissions from 5 submitters: Pathogenic (2); Likely pathogenic (3). Last evaluated 2025-11-04.

Conditions:
Autosomal recessive polycystic kidney disease (ARPKD). Also called: AR polycystic kidney disease. Identifiers: Orphanet 731, Orphanet 8378, MedGen C0085548, MeSH D017044, MONDO:0009889.
Polycystic kidney disease 4 (PKD4). Also called: PKD3; POLYCYSTIC KIDNEY AND HEPATIC DISEASE 1; POLYCYSTIC KIDNEY DISEASE, INFANTILE, TYPE I; Autosomal Recessive Polycystic Kidney Disease – PKHD1; POLYCYSTIC KIDNEY DISEASE 4 WITH OR WITHOUT POLYCYSTIC LIVER DISEASE. Identifiers: MedGen C4540575, MONDO:0033004, OMIM 263200.

Submissions (5):

Women's Health and Genetics/Laboratory Corporation of America, LabCorp
Classification: Pathogenic for Autosomal recessive polycystic kidney disease. Last evaluated: 2025-11-04. Review status: criteria provided, single submitter. Criteria: LabCorp Variant Classification Summary - May 2015. Collection method: clinical testing. Allele origin: germline.
Comment: Variant summary: PKHD1 c.5069C>A (p.Ser1690X) results in a premature termination codon, predicted to cause a truncation of the encoded protein or absence of the protein due to nonsense mediated decay, which are commonly known mechanisms for disease. The variant was absent in 251362 control chromosomes. To our knowledge, no occurrence of c.5069C>A in individuals affected with PKHD1-related conditions and no experimental evidence demonstrating its impact on protein function have been reported. ClinVar contains an entry for this variant (Variation ID: 960317). Based on the evidence outlined above, the variant was classified as pathogenic.

Natera, Inc.
Classification: Likely pathogenic for Autosomal recessive polycystic kidney disease. Last evaluated: 2025-10-20. Review status: criteria provided, single submitter. Criteria: Natera Variant Classification Schema (03/2026). Collection method: clinical testing. Allele origin: germline.
Comment: The c.5069C>A variant in PKHD1 is a nonsense variant predicted to introduce a stop codon at amino acid 1690. This variant is expected to result in nonsense mediated decay, truncation, or a dysfunctional protein product. This variant is rare in the general population with a frequency below the threshold expected for the associated phenotype(s). Given the available evidence, this variant is classified as Likely Pathogenic.

Labcorp Genetics (formerly Invitae), Labcorp
Classification: Pathogenic for Autosomal recessive polycystic kidney disease. Last evaluated: 2025-10-12. Review status: criteria provided, single submitter. Criteria: Invitae Variant Classification Sherloc (09022015). Collection method: clinical testing. Allele origin: germline.
Comment: This sequence change creates a premature translational stop signal (p.Ser1690*) in the PKHD1 gene. It is expected to result in an absent or disrupted protein product. Loss-of-function variants in PKHD1 are known to be pathogenic (PMID: 19940839). This variant is not present in population databases (gnomAD no frequency). This variant has not been reported in the literature in individuals affected with PKHD1-related conditions. ClinVar contains an entry for this variant (Variation ID: 960317). For these reasons, this variant has been classified as Pathogenic.

Revvity Omics, Revvity
Classification: Likely pathogenic for Polycystic kidney disease 4. Last evaluated: 2024-09-27. Review status: criteria provided, single submitter. Criteria: ACMG Guidelines, 2015. Collection method: clinical testing. Allele origin: germline.

Fulgent Genetics
Classification: Likely pathogenic for Polycystic kidney disease 4. Last evaluated: 2022-01-10. Review status: criteria provided, single submitter. Criteria: ACMG Guidelines, 2015. Collection method: clinical testing. Allele origin: unknown.

Literature cited by the submitters: PubMed 19940839 (cited by Labcorp Genetics (formerly Invitae), Labcorp).

NM_138694.4(PKHD1):c.5069C>A (p.Ser1690Ter)

Genes: PKHD1 (PKHD1 ciliary IPT domain containing fibrocystin/polyductin; minus strand), LOC126859690 (MED14-independent group 3 enhancer GRCh37_chr6:51888848-51890047; plus strand). Cytogenetic location: 6p12.2.
Variant type: single nucleotide variant.
Coding change: c.5069C>A on transcript NM_138694.4 (MANE Select); coding-DNA position 5069, C replaced by A.
Protein change: p.Ser1690Ter; replaces serine 1690 with a stop codon.
Molecular consequence: nonsense.
Genome position (GRCh38, 1-based): chr6:52,024,741, G>T on the plus strand (C>A on the coding strand, the complement: PKHD1 is on the minus strand). VCF-style: chr6-52024741-G-T. GRCh37 (hg19) VCF-style: chr6-51889539-G-T.
Other names: c.5069C>A, p.Ser1690Ter (NM_170724.3); short protein forms S1690*.
Identifiers: ClinVar variation 960317 (VCV000960317.20), dbSNP rs1801882752, ClinGen allele CA364428820.